The following is an entry in ClinVar:

ClinVar aggregate classification (germline): Uncertain significance. Review status: criteria provided, multiple submitters, no conflicts (2 of 4 stars). 7 submissions from 7 submitters: Uncertain significance (7). Last evaluated 2026-01-29.

Conditions:
Autosomal recessive ataxia, Beauce type. Also called: Spinocerebellar ataxia, autosomal recessive 8; ATAXIA, RECESSIVE, OF BEAUCE; SYNE1-Related Autosomal Recessive Cerebellar Ataxia; SYNE1 Deficiency. Identifiers: Orphanet 88644, MedGen C1853116, MONDO:0012549, OMIM 610743.
Emery-Dreifuss muscular dystrophy 4, autosomal dominant (EDMD4). Also called: EMERY-DREIFUSS MUSCULAR DYSTROPHY 4 WITH VARIABLE FEATURES. Identifiers: Orphanet 261, MedGen C2751807, MONDO:0013071, OMIM 612998.

Allele frequency attached by ClinVar (database versions not stated): gnomAD exomes 0.00003 and 0.00009; ExAC 0.00008; gnomAD 0.00031; TOPMed 0.00036; ESP Exome Variant Server 0.00054.
gnomAD v4.1: 93 of 1,614,146 alleles (0.0058%); highest among the groups gnomAD compares: African/African-American, 0.11%; no homozygotes.

Submissions (7):

GeneDx
Classification: Uncertain significance. Last evaluated: 2026-01-29. Review status: criteria provided, single submitter. Criteria: GeneDx Variant Classification Process June 2021. Collection method: clinical testing. Allele origin: germline. Affected: yes.
Comment: In silico analysis supports that this missense variant has a deleterious effect on protein structure/function; Has not been previously published as pathogenic or benign to our knowledge

Labcorp Genetics (formerly Invitae), Labcorp
Classification: Uncertain significance for Emery-Dreifuss muscular dystrophy 4, autosomal dominant; Autosomal recessive ataxia, Beauce type. Last evaluated: 2024-05-20. Review status: criteria provided, single submitter. Criteria: Invitae Variant Classification Sherloc (09022015). Collection method: clinical testing. Allele origin: germline.
Comment: This sequence change replaces arginine, which is basic and polar, with glycine, which is neutral and non-polar, at codon 3038 of the SYNE1 protein (p.Arg3038Gly). This variant is present in population databases (rs144643941, gnomAD 0.1%). This variant has not been reported in the literature in individuals affected with SYNE1-related conditions. ClinVar contains an entry for this variant (Variation ID: 393008). Algorithms developed to predict the effect of missense changes on protein structure and function output the following: SIFT: "Not Available"; PolyPhen-2: "Benign"; Align-GVGD: "Not Available". The glycine amino acid residue is found in multiple mammalian species, which suggests that this missense change does not adversely affect protein function. In summary, the available evidence is currently insufficient to determine the role of this variant in disease. Therefore, it has been classified as a Variant of Uncertain Significance.

Athena Diagnostics
Classification: Uncertain significance. Last evaluated: 2021-06-18. Review status: criteria provided, single submitter. Criteria: Athena Diagnostics Criteria. Collection method: clinical testing. Allele origin: unknown.

Revvity Omics, Revvity
Classification: Uncertain significance. Last evaluated: 2021-02-09. Review status: criteria provided, single submitter. Criteria: ACMG Guidelines, 2015. Collection method: clinical testing. Allele origin: germline.

Blueprint Genetics
Classification: Uncertain significance. Last evaluated: 2018-10-02. Review status: criteria provided, single submitter. Criteria: ACMG Guidelines, 2015. Collection method: clinical testing. Allele origin: germline.

Eurofins Ntd Llc (ga)
Classification: Uncertain significance. Last evaluated: 2017-01-04. Review status: criteria provided, single submitter. Criteria: EGL Classification Definitions 2015. Collection method: clinical testing. Allele origin: germline. Observed: 1 variant allele, 1 heterozygote.

Genetic Services Laboratory, University of Chicago
Classification: Uncertain significance. Last evaluated: 2016-10-10. Review status: criteria provided, single submitter. Criteria: ACMG Guidelines, 2015. Collection method: clinical testing. Allele origin: germline. Affected: no.

NM_182961.4(SYNE1):c.9091A>G (p.Arg3031Gly)

Gene: SYNE1 (spectrin repeat containing nuclear envelope protein 1; minus strand). Cytogenetic location: 6q25.2.
Variant type: single nucleotide variant.
Coding change: c.9091A>G on transcript NM_182961.4 (MANE Select); coding-DNA position 9091, A replaced by G.
Protein change: p.Arg3031Gly; replaces arginine 3031 with glycine.
Molecular consequence: missense variant.
Genome position (GRCh38, 1-based): chr6:152,376,831, T>C on the plus strand (A>G on the coding strand, the complement: SYNE1 is on the minus strand). VCF-style: chr6-152376831-T-C. GRCh37 (hg19) VCF-style: chr6-152697966-T-C.
Other names: c.9112A>G, p.Arg3038Gly (NM_033071.5); short protein forms R3031G, R3038G.
Identifiers: ClinVar variation 393008 (VCV000393008.28), dbSNP rs144643941, ClinGen allele CA4057405.